The following is an entry in ClinVar:

ClinVar aggregate classification (germline): Conflicting classifications of pathogenicity. Review status: criteria provided, conflicting classifications (1 of 4 stars). 4 submissions from 4 submitters: Uncertain significance (1); Likely benign (2). 1 of the submissions does not count toward it. Last evaluated 2025-10-02.

Conditions:
PLCE1-related disorder. Also called: PLCE1-related condition.

Allele frequency attached by ClinVar (database versions not stated): 1000 Genomes Project 0.00060; gnomAD exomes 0.00024; ESP Exome Variant Server 0.00088; 1000 Genomes Project 30x 0.00047.
gnomAD v4.1: 240 of 1,613,986 alleles (0.015%); highest among the groups gnomAD compares: African/African-American, 0.27%; no homozygotes.

Submissions (4):

Mayo Clinic Laboratories, Mayo Clinic
Classification: Likely benign. Last evaluated: 2025-10-02. Review status: criteria provided, single submitter. Criteria: ACMG Guidelines, 2015. Collection method: clinical testing. Allele origin: germline. Observed: 1 variant allele.
Comment: BS1, BP4

Labcorp Genetics (formerly Invitae), Labcorp
Classification: Likely benign. Last evaluated: 2025-09-22. Review status: criteria provided, single submitter. Criteria: Invitae Variant Classification Sherloc (09022015). Collection method: clinical testing. Allele origin: germline.

GeneDx
Classification: Uncertain significance. Last evaluated: 2022-05-10. Review status: criteria provided, single submitter. Criteria: GeneDx Variant Classification Process June 2021. Collection method: clinical testing. Allele origin: germline. Affected: yes.
Comment: In silico analysis supports that this missense variant does not alter protein structure/function; Has not been previously published as pathogenic or benign to our knowledge

PreventionGenetics, part of Exact Sciences
Classification: Likely benign for PLCE1-related condition. Last evaluated: 2024-04-04. Review status: no assertion criteria provided. Collection method: clinical testing. Allele origin: germline. Not counted in ClinVar's aggregate classification.
Comment: This variant is classified as likely benign based on ACMG/AMP sequence variant interpretation guidelines (Richards et al. 2015 PMID: 25741868, with internal and published modifications).

NM_016341.4(PLCE1):c.1295C>G (p.Ala432Gly)

Gene: PLCE1 (phospholipase C epsilon 1; plus strand). Cytogenetic location: 10q23.33.
Variant type: single nucleotide variant.
Coding change: c.1295C>G on transcript NM_016341.4 (MANE Select); coding-DNA position 1295, C replaced by G.
Protein change: p.Ala432Gly; replaces alanine 432 with glycine.
Molecular consequence: missense variant.
Genome position (GRCh38, 1-based): chr10:94,132,262, C>G. VCF-style: chr10-94132262-C-G. GRCh37 (hg19) VCF-style: chr10-95892019-C-G.
Other names: p.Ala432Gly; c.371C>G, p.Ala124Gly (NM_001165979.2); c.1295C>G, p.Ala432Gly (NM_001288989.2); short protein forms A124G, A432G.
Identifiers: ClinVar variation 1684081 (VCV001684081.9), dbSNP rs200380935, ClinGen allele CA5612339.